The following is an entry in ClinVar:

ClinVar aggregate classification (germline): Uncertain significance (1 of 4 stars; one submission).

Submission:

ISCA site 14
Classification: Uncertain significance. Last evaluated: 2011-08-12. Review status: criteria provided, single submitter. Criteria: Kaminsky et al. (Genet Med. 2011). Collection method: clinical testing. Allele origin: de novo. Affected: yes. Observed: 1 variant allele.
Comment: Copy number variation identified through the course of routine clinical cytogenomic testing in postnatal populations. Clinical assertions have been curated as described in Kaminsky et al. 2011.

GRCh38/hg38 6q22.1(chr6:117206991-117881842)x3

Genes: DCBLD1 (discoidin, CUB and LCCL domain containing 1; plus strand), GOPC (golgi associated PDZ and coiled-coil motif containing; minus strand), NUS1 (NUS1 dehydrodolichyl diphosphate synthase subunit; plus strand), ROS1 (ROS proto-oncogene 1, receptor tyrosine kinase; minus strand), VGLL2 (vestigial like family member 2; plus strand) and 21 more. Cytogenetic location: 6q22.1.
Variant type: copy number gain.
Change: copy number 3 (three copies instead of two) of chr6:117,206,991-117,881,842 (674.9 kb, GRCh38 coordinates, 1-based), cytogenetic band 6q22.1.
Identifiers: ClinVar variation 59527 (VCV000059527.1).